The following is an entry in ClinVar:

NM_000059.4(BRCA2):c.2408A>C (p.Tyr803Ser)

Gene: BRCA2 (BRCA2 DNA repair associated; plus strand). Cytogenetic location: 13q13.1.
Variant type: single nucleotide variant.
Coding change: c.2408A>C on transcript NM_000059.4 (MANE Select); coding-DNA position 2408, A replaced by C.
Protein change: p.Tyr803Ser; replaces tyrosine 803 with serine.
Molecular consequence: missense variant.
Genome position (GRCh38, 1-based): chr13:32,336,763, A>C. VCF-style: chr13-32336763-A-C. GRCh37 (hg19) VCF-style: chr13-32910900-A-C.
Other names: short protein forms Y803S.
Identifiers: ClinVar variation 566171 (VCV000566171.10), dbSNP rs1566226664, ClinGen allele CA387772014.

ClinVar aggregate classification (germline): Conflicting classifications of pathogenicity. Review status: criteria provided, conflicting classifications (1 of 4 stars). 2 submissions from 2 submitters: Uncertain significance (1); Likely benign (1). Last evaluated 2023-03-23.

Conditions:
Hereditary cancer-predisposing syndrome. Also called: Neoplastic Syndromes, Hereditary; Tumor predisposition; Hereditary neoplastic syndrome; Hereditary Cancer Syndrome. Identifiers: Orphanet 140162, MedGen C0027672, MeSH D009386, MONDO:0015356.
Hereditary breast ovarian cancer syndrome. Also called: Hereditary breast and ovarian cancer syndrome (HBOC); Hereditary breast and ovarian cancer; Hereditary breast and/or ovarian cancer syndrome; Hereditary breast and ovarian cancer syndrome; Breast and ovarian cancer; BRCA1- and BRCA2-Associated Hereditary Breast and Ovarian Cancer. Identifiers: Orphanet 145, MedGen C0677776, MeSH D061325, MONDO:0003582. Disease mechanism: loss of function.

Submissions (2):

University of Washington Department of Laboratory Medicine, University of Washington
Classification: Likely benign for Hereditary cancer-predisposing syndrome. Last evaluated: 2023-03-23. Review status: criteria provided, single submitter. Criteria: Dines et al. (Genet Med. 2020). Collection method: curation. Allele origin: germline.
Comment: Missense variant in a coldspot region where missense variants are very unlikely to be pathogenic (PMID:31911673).

BRCA2 exon 11 coldspot. Reclassification based on statistical prior probability.

Labcorp Genetics (formerly Invitae), Labcorp
Classification: Uncertain significance for Hereditary breast ovarian cancer syndrome. Last evaluated: 2018-03-28. Review status: criteria provided, single submitter. Criteria: Invitae Variant Classification Sherloc (09022015). Collection method: clinical testing. Allele origin: germline.
Comment: This sequence change replaces tyrosine with serine at codon 803 of the BRCA2 protein (p.Tyr803Ser). The tyrosine residue is weakly conserved and there is a large physicochemical difference between tyrosine and serine. This variant is not present in population databases (ExAC no frequency). This variant has not been reported in the literature in individuals with BRCA2-related disease. Algorithms developed to predict the effect of missense changes on protein structure and function output the following: SIFT: "Tolerated"; PolyPhen-2: "Benign"; Align-GVGD: "Class C0". The serine amino acid residue is found in multiple mammalian species, suggesting that this missense change does not adversely affect protein function. These predictions have not been confirmed by published functional studies and their clinical significance is uncertain. In summary, the available evidence is currently insufficient to determine the role of this variant in disease. Therefore, it has been classified as a Variant of Uncertain Significance.